The following is an entry in ClinVar:

ClinVar aggregate classification (germline): Pathogenic. Review status: criteria provided, multiple submitters, no conflicts (2 of 4 stars). 3 submissions from 3 submitters: Pathogenic (3). Last evaluated 2024-06-05.

Conditions:
Interstitial lung disease due to ABCA3 deficiency. Also called: PULMONARY ALVEOLAR PROTEINOSIS, CONGENITAL, 3. Identifiers: Orphanet 440402, MedGen C1970456, MONDO:0012582, OMIM 610921.

gnomAD v4.1: 12 of 1,610,838 alleles (0.00074%); highest among the groups gnomAD compares: Non-Finnish European, 0.00093%; no homozygotes.

Submissions (3):

Myriad Genetics, Inc.
Classification: Pathogenic for Interstitial lung disease due to ABCA3 deficiency. Last evaluated: 2024-06-05. Review status: criteria provided, single submitter. Criteria: Myriad Autosomal Dominant, Autosomal Recessive and X-Linked Classification Criteria (2023). Collection method: clinical testing. Allele origin: unknown.
Comment: NM_001089.2(ABCA3):c.4675C>T(R1559*) is expected to be pathogenic in the context of surfactant deficiency, ABCA3-related. This variant is predicted to lead to an abnormal or absent protein product due to the creation of a premature termination codon in ABCA3, a gene where loss-of-function variants are known to be pathogenic. Please note: this variant was assessed in the context of healthy population screening.

Fulgent Genetics
Classification: Pathogenic for Interstitial lung disease due to ABCA3 deficiency. Last evaluated: 2024-02-25. Review status: criteria provided, single submitter. Criteria: ACMG Guidelines, 2015. Collection method: clinical testing. Allele origin: germline.

Juno Genomics, Hangzhou Juno Genomics, Inc
Classification: Pathogenic for Interstitial lung disease due to ABCA3 deficiency. Review status: criteria provided, single submitter. Criteria: ACMG Guidelines, 2015. Collection method: clinical testing. Allele origin: germline.
Comment: Absent from controls (or at extremely low frequency if recessive) in Genome Aggregation Database.;Null variant in a gene where loss of function (LOF) is a known mechanism of disease.;For recessive disorders, detected in trans with a pathogenic variant.;Patient's phenotype or family history is highly specific for a disease with a single genetic etiology.

NM_001089.3(ABCA3):c.4675C>T (p.Arg1559Ter)

Gene: ABCA3 (ATP binding cassette subfamily A member 3; minus strand). Cytogenetic location: 16p13.3.
Variant type: single nucleotide variant.
Coding change: c.4675C>T on transcript NM_001089.3 (MANE Select); coding-DNA position 4675, C replaced by T.
Protein change: p.Arg1559Ter; replaces arginine 1559 with a stop codon.
Molecular consequence: nonsense.
Genome position (GRCh38, 1-based): chr16:2,278,331, G>A on the plus strand (C>T on the coding strand, the complement: ABCA3 is on the minus strand). VCF-style: chr16-2278331-G-A. GRCh37 (hg19) VCF-style: chr16-2328332-G-A.
Other names: short protein forms R1559*.
Identifiers: ClinVar variation 3579944 (VCV003579944.5).
Genomic context (GRCh38, chr16:2,278,331, plus strand): 5'-ACAGACCCAGGCTCTACCTGTGGGAGGTGATGATGATGGCCTTGCCAGACTCTCGGGCTC[G>A]TGCCACGGTGTCCCAAAGCAGGCGCCGGGCCACGGGGTCCATGCCAGTGGACGGCTCGTC-3'